The following is an entry in ClinVar:

NM_001267550.2(TTN):c.42764G>A (p.Ser14255Asn)

Gene: TTN (titin; minus strand). Cytogenetic location: 2q31.2.
Variant type: single nucleotide variant.
Coding change: c.42764G>A on transcript NM_001267550.2 (MANE Select); coding-DNA position 42764, G replaced by A.
Protein change: p.Ser14255Asn; replaces serine 14255 with asparagine.
Molecular consequence: missense variant.
Genome position (GRCh38, 1-based): chr2:178,633,595, C>T on the plus strand (G>A on the coding strand, the complement: TTN is on the minus strand). VCF-style: chr2-178633595-C-T. GRCh37 (hg19) VCF-style: chr2-179498322-C-T.
Other names: c.42764G>A (NM_001267550.1); c.37841G>A, p.Ser12614Asn (NM_001256850.1); c.15569G>A, p.Ser5190Asn (NM_003319.4); c.35060G>A, p.Ser11687Asn (NM_133378.4); c.15944G>A, p.Ser5315Asn (NM_133432.3); c.16145G>A, p.Ser5382Asn (NM_133437.4); short protein forms S14255N, S5190N, S5315N, S5382N, S11687N, S12614N.
Identifiers: ClinVar variation 467147 (VCV000467147.10), dbSNP rs368433387, ClinGen allele CA1996017.
Genomic context (GRCh38, chr2:178,633,595, plus strand): 5'-TATTTGGGTGAAGGGACAATCTCTTCACCATCTTTGAACCATTTCACTGGTACATCTTTG[C>T]TCACTTCACACTTCAAAGTAATCTCATCCTTCTCCACTGCAGTTTTGTCATGTAATTTCA-3'
Protein context (NP_001254479.2, residues 14245-14265): KDEITLKCEV[Ser14255Asn]KDVPVKWFKD

ClinVar aggregate classification (germline): Uncertain significance. Review status: criteria provided, multiple submitters, no conflicts (2 of 4 stars). 3 submissions from 3 submitters: Uncertain significance (3). Last evaluated 2022-06-24.

Conditions:
Autosomal recessive limb-girdle muscular dystrophy type 2J (LGMDR10). Also called: Limb-girdle muscular dystrophy, type 2J; MUSCULAR DYSTROPHY, LIMB-GIRDLE, AUTOSOMAL RECESSIVE 10. Identifiers: Orphanet 140922, MedGen C1837342, MONDO:0012127, OMIM 608807.
Dilated cardiomyopathy 1G (CMD1G). Identifiers: Orphanet 154, MedGen C1858763, MONDO:0011400, OMIM 604145.

Allele frequency attached by ClinVar (database versions not stated): gnomAD exomes below 0.00001; ExAC 0.00001; gnomAD 0.00001 and 0.00002; TOPMed 0.00001; ESP Exome Variant Server 0.00008; 1000 Genomes Project 30x 0.00016; 1000 Genomes Project 0.00020.
gnomAD v4.1: 5 of 1,613,366 alleles (0.00031%); highest among the groups gnomAD compares: African/African-American, 0.0053%; no homozygotes.

Submissions (3):

GeneDx
Classification: Uncertain significance. Last evaluated: 2022-06-24. Review status: criteria provided, single submitter. Criteria: GeneDx Variant Classification Process June 2021. Collection method: clinical testing. Allele origin: germline. Affected: yes.
Comment: Not observed at significant frequency in large population cohorts (gnomAD); Missense variant in a gene in which most reported pathogenic variants are truncating/loss of function; Has not been previously published as pathogenic or benign to our knowledge; This variant is associated with the following publications: (PMID: 23975875)

Mayo Clinic Laboratories, Mayo Clinic
Classification: Uncertain significance. Last evaluated: 2020-09-10. Review status: criteria provided, single submitter. Criteria: ACMG Guidelines, 2015. Collection method: clinical testing. Allele origin: germline. Observed: 1 variant allele.

Labcorp Genetics (formerly Invitae), Labcorp
Classification: Uncertain significance for Dilated cardiomyopathy 1G; Autosomal recessive limb-girdle muscular dystrophy type 2J. Last evaluated: 2017-05-26. Review status: criteria provided, single submitter. Criteria: Invitae Variant Classification Sherloc (09022015). Collection method: clinical testing. Allele origin: germline.